The following is an entry in ClinVar:

NM_020988.3(GNAO1):c.465-3C>T

Gene: GNAO1 (G protein subunit alpha o1; plus strand). Cytogenetic location: 16q13.
Variant type: single nucleotide variant.
Coding change: c.465-3C>T on transcript NM_020988.3 (MANE Select); 3 bases into the intron before coding-DNA position 465, C replaced by T.
Molecular consequence: intron variant.
Genome position (GRCh38, 1-based): chr16:56,334,726, C>T. VCF-style: chr16-56334726-C-T. GRCh37 (hg19) VCF-style: chr16-56368638-C-T.
Other names: c.465-3C>T (NM_138736.3).
Identifiers: ClinVar variation 808049 (VCV000808049.46), dbSNP rs1596871341, ClinGen allele CA915949267.

ClinVar aggregate classification (germline): Uncertain significance. Review status: criteria provided, multiple submitters, no conflicts (2 of 4 stars). 2 submissions from 2 submitters: Uncertain significance (2). Last evaluated 2022-07-15.

Conditions:
Early-infantile DEE. Also called: Early infantile epileptic encephalopathy with suppression bursts; Early infantile epileptic encephalopathy; Ohtahara syndrome. Identifiers: Orphanet 1934, MedGen C0393706, MONDO:0800491.

Allele frequency attached by ClinVar (database versions not stated): gnomAD exomes below 0.00001; gnomAD 0.00001.
gnomAD v4.1: 2 of 1,613,844 alleles (0.00012%); highest among the groups gnomAD compares: African/African-American, 0.0013%; no homozygotes.

Submissions (2):

Labcorp Genetics (formerly Invitae), Labcorp
Classification: Uncertain significance for Early-infantile DEE. Last evaluated: 2022-07-15. Review status: criteria provided, single submitter. Criteria: Invitae Variant Classification Sherloc (09022015). Collection method: clinical testing. Allele origin: germline.
Comment: ClinVar contains an entry for this variant (Variation ID: 808049). This variant has not been reported in the literature in individuals affected with GNAO1-related conditions. This variant is not present in population databases (gnomAD no frequency). This sequence change falls in intron 4 of the GNAO1 gene. It does not directly change the encoded amino acid sequence of the GNAO1 protein. It affects a nucleotide within the consensus splice site. In summary, the available evidence is currently insufficient to determine the role of this variant in disease. Therefore, it has been classified as a Variant of Uncertain Significance. Variants that disrupt the consensus splice site are a relatively common cause of aberrant splicing (PMID: 17576681, 9536098). Algorithms developed to predict the effect of sequence changes on RNA splicing suggest that this variant is not likely to affect RNA splicing.

CeGaT Center for Human Genetics Tuebingen
Classification: Uncertain significance. Last evaluated: 2016-06-01. Review status: criteria provided, single submitter. Criteria: CeGaT Center For Human Genetics Tuebingen Variant Classification Criteria Version 2. Collection method: clinical testing. Allele origin: germline. Affected: yes. Observed: 1 variant allele.

Literature cited by the submitters: PubMed 17576681 (cited by Labcorp Genetics (formerly Invitae), Labcorp); PubMed 9536098 (cited by Labcorp Genetics (formerly Invitae), Labcorp).